The following is an entry in ClinVar:

NM_001145011.2(C16orf96):c.870G>A (p.Pro290=)

Gene: C16orf96 (chromosome 16 open reading frame 96; plus strand). Cytogenetic location: 16p13.3.
Variant type: single nucleotide variant.
Coding change: c.870G>A on transcript NM_001145011.2 (MANE Select); coding-DNA position 870, G replaced by A.
Protein change: p.Pro290=; no amino-acid change (proline 290 retained).
Molecular consequence: synonymous variant.
Genome position (GRCh38, 1-based): chr16:4,575,350, G>A. VCF-style: chr16-4575350-G-A. GRCh37 (hg19) VCF-style: chr16-4625351-G-A.
Other names: c.870G>A, p.Pro290= (NM_001387219.1).
Identifiers: ClinVar variation 3025375 (VCV003025375.22), dbSNP rs140680907, ClinGen allele CA7877253.

ClinVar aggregate classification (germline): Likely benign (1 of 4 stars; one submission).

Allele frequency attached by ClinVar (database versions not stated): ESP Exome Variant Server 0.00044; 1000 Genomes Project 30x 0.00109; 1000 Genomes Project 0.00120; ExAC 0.00123.
gnomAD v4.1: 788 of 1,551,184 alleles (0.051%); highest among the groups gnomAD compares: Middle Eastern, 0.38%; 4 homozygotes.

Submission:

CeGaT Center for Human Genetics Tuebingen
Classification: Likely benign. Last evaluated: 2024-02-01. Review status: criteria provided, single submitter. Criteria: CeGaT Center For Human Genetics Tuebingen Variant Classification Criteria Version 2. Collection method: clinical testing. Allele origin: germline. Affected: yes. Observed: 1 variant allele.
Comment: C16orf96: BP4, BP7